The following is an entry in ClinVar:

NM_001277115.2(DNAH11):c.846G>A (p.Met282Ile)

Gene: DNAH11 (dynein axonemal heavy chain 11; plus strand). Cytogenetic location: 7p15.3.
Variant type: single nucleotide variant.
Coding change: c.846G>A on transcript NM_001277115.2 (MANE Select); coding-DNA position 846, G replaced by A.
Protein change: p.Met282Ile; replaces methionine 282 with isoleucine.
Molecular consequence: missense variant.
Genome position (GRCh38, 1-based): chr7:21,559,756, G>A. VCF-style: chr7-21559756-G-A. GRCh37 (hg19) VCF-style: chr7-21599374-G-A.
Other names: c.846G>A (NM_001277115.1); c.846G>A, p.Met282Ile (NM_003777.3); short protein forms M282I.
Identifiers: ClinVar variation 3007059 (VCV003007059.5), dbSNP rs375023124, ClinGen allele CA4178795.
Genomic context (GRCh38, chr7:21,559,756, plus strand): 5'-AGTGCAGCGTTTGTTGAATGGTCTTCACTTGTCTCCTCAAGCAGAACTAGATTTCTGGAT[G>A]ATGAGGAGAGAAAATCTGTCATGCATTTATGATCAAGTAAGTAGATAGCCCTAGAAATTA-3'
Protein context (NP_001264044.1, residues 272-292): LSPQAELDFW[Met282Ile]MRRENLSCIY

ClinVar aggregate classification (germline): Likely benign. Review status: criteria provided, single submitter (1 of 4 stars). 2 submissions from 2 submitters: Likely benign (1). 1 of the submissions does not count toward it. Last evaluated 2025-05-21.

Conditions:
Primary ciliary dyskinesia. Also called: Ciliary dyskinesia. Identifiers: Orphanet 244, MedGen C0008780, MONDO:0016575, HP:0012265.
DNAH11-related disorder. Also called: DNAH11-related condition.

Allele frequency attached by ClinVar (database versions not stated): ESP Exome Variant Server 0.00008.
gnomAD v4.1: 48 of 1,605,980 alleles (0.003%); highest among the groups gnomAD compares: African/African-American, 0.049%; no homozygotes.

Submissions (2):

Labcorp Genetics (formerly Invitae), Labcorp
Classification: Likely benign for Primary ciliary dyskinesia. Last evaluated: 2025-05-21. Review status: criteria provided, single submitter. Criteria: Invitae Variant Classification Sherloc (09022015). Collection method: clinical testing. Allele origin: germline.

PreventionGenetics, part of Exact Sciences
Classification: Uncertain significance for DNAH11-related condition. Last evaluated: 2024-01-18. Review status: no assertion criteria provided. Collection method: clinical testing. Allele origin: germline. Not counted in ClinVar's aggregate classification.
Comment: The DNAH11 c.846G>A variant is predicted to result in the amino acid substitution p.Met282Ile. This variant was reported along with a second potentially causative variant in an individual with non-syndromic hearing impairment (Wonkam. 2022. PubMed ID: 35440622). This variant is reported in 0.064% of alleles in individuals of African descent in gnomAD. At this time, the clinical significance of this variant is uncertain due to the absence of conclusive functional and genetic evidence.